The following is an entry in ClinVar:

NM_001375524.1(TRRAP):c.10591T>C (p.Tyr3531His)

Gene: TRRAP (transformation/transcription domain associated protein; plus strand). Cytogenetic location: 7q22.1.
Variant type: single nucleotide variant.
Coding change: c.10591T>C on transcript NM_001375524.1 (MANE Select); coding-DNA position 10591, T replaced by C.
Protein change: p.Tyr3531His; replaces tyrosine 3531 with histidine.
Molecular consequence: missense variant.
Genome position (GRCh38, 1-based): chr7:99,005,186, T>C. VCF-style: chr7-99005186-T-C. GRCh37 (hg19) VCF-style: chr7-98602809-T-C.
Other names: c.10549T>C, p.Tyr3517His (NM_001244580.2); c.10462T>C, p.Tyr3488His (NM_003496.4); short protein forms Y3488H, Y3517H, Y3531H.
Identifiers: ClinVar variation 1713845 (VCV001713845.5), dbSNP rs2116860930, ClinGen allele CA368337811.
Genomic context (GRCh38, chr7:99,005,186, plus strand): 5'-GGCAGGTTCATGCCCCGGGTAGAGATTGTGCAGAAGCACAACACCGCAGCCCGGCGGCTG[T>C]ACATCCGGGGACACAATGGCAAGATCTACCCATACCTCGTCATGAACGACGCCTGCCTCA-3'
Protein context (NP_001362453.1, residues 3521-3541): QKHNTAARRL[Tyr3531His]IRGHNGKIYP

ClinVar aggregate classification (germline): Uncertain significance (1 of 4 stars; one submission).

Submission:

Labcorp Genetics (formerly Invitae), Labcorp
Classification: Uncertain significance. Last evaluated: 2022-07-29. Review status: criteria provided, single submitter. Criteria: Invitae Variant Classification Sherloc (09022015). Collection method: clinical testing. Allele origin: germline.
Comment: This sequence change replaces tyrosine, which is neutral and polar, with histidine, which is basic and polar, at codon 3488 of the TRRAP protein (p.Tyr3488His). This variant is not present in population databases (gnomAD no frequency). This variant has not been reported in the literature in individuals affected with TRRAP-related conditions. Algorithms developed to predict the effect of missense changes on protein structure and function output the following: SIFT: "Tolerated"; PolyPhen-2: "Possibly Damaging"; Align-GVGD: "Class C0". The histidine amino acid residue is found in multiple mammalian species, which suggests that this missense change does not adversely affect protein function. In summary, the available evidence is currently insufficient to determine the role of this variant in disease. Therefore, it has been classified as a Variant of Uncertain Significance.